The following is an entry in ClinVar:

ClinVar aggregate classification (germline): Uncertain significance (1 of 4 stars; one submission).

Conditions:
Cardiovascular phenotype. Identifiers: MedGen CN230736.

Submission:

Ambry Genetics
Classification: Uncertain significance for Cardiovascular phenotype. Last evaluated: 2025-09-17. Review status: criteria provided, single submitter. Criteria: Ambry Variant Classification Scheme 2023. Collection method: clinical testing. Allele origin: germline.
Comment: The p.V755A variant (also known as c.2264T>C), located in coding exon 15 of the GAA gene, results from a T to C substitution at nucleotide position 2264. The valine at codon 755 is replaced by alanine, an amino acid with similar properties. This amino acid position is conserved. In addition, this alteration is predicted to be deleterious by in silico analysis. Based on the available evidence, the clinical significance of this variant remains unclear.

NM_000152.5(GAA):c.2264T>C (p.Val755Ala)

Gene: GAA (alpha glucosidase; plus strand). Cytogenetic location: 17q25.3.
Variant type: single nucleotide variant.
Coding change: c.2264T>C on transcript NM_000152.5 (MANE Select); coding-DNA position 2264, T replaced by C.
Protein change: p.Val755Ala; replaces valine 755 with alanine.
Molecular consequence: missense variant.
Genome position (GRCh38, 1-based): chr17:80,117,042, T>C. VCF-style: chr17-80117042-T-C. GRCh37 (hg19) VCF-style: chr17-78090841-T-C.
Other names: c.2264T>C, p.Val755Ala (NM_001079803.3, NM_001079804.3, NM_001406741.1 and 1 more transcripts); short protein forms V755A.
Identifiers: ClinVar variation 4614224 (VCV004614224.1).